The following is an entry in ClinVar:

ClinVar aggregate classification (germline): Uncertain significance. Review status: criteria provided, multiple submitters, no conflicts (2 of 4 stars). 3 submissions from 3 submitters: Uncertain significance (3). Last evaluated 2024-12-06.

Conditions:
Mitochondrial complex V (ATP synthase) deficiency, nuclear type 1. Also called: MITOCHONDRIAL COMPLEX V (ATP SYNTHASE) DEFICIENCY, ATPAF2 TYPE; Nuclear-Encoded ATPase Deficiency, ATPAF2-Related. Identifiers: Orphanet 254913, MedGen C3276276, MONDO:0011421, OMIM 604273.

Allele frequency attached by ClinVar (database versions not stated): ExAC 0.00002.

Submissions (3):

Labcorp Genetics (formerly Invitae), Labcorp
Classification: Uncertain significance. Last evaluated: 2024-12-06. Review status: criteria provided, single submitter. Criteria: Invitae Variant Classification Sherloc (09022015). Collection method: clinical testing. Allele origin: germline.
Comment: This sequence change replaces alanine, which is neutral and non-polar, with glutamic acid, which is acidic and polar, at codon 130 of the ATPAF2 protein (p.Ala130Glu). This variant is present in population databases (rs759676953, gnomAD 0.006%). This variant has not been reported in the literature in individuals affected with ATPAF2-related conditions. ClinVar contains an entry for this variant (Variation ID: 214139). Invitae Evidence Modeling of protein sequence and biophysical properties (such as structural, functional, and spatial information, amino acid conservation, physicochemical variation, residue mobility, and thermodynamic stability) indicates that this missense variant is not expected to disrupt ATPAF2 protein function with a negative predictive value of 80%. In summary, the available evidence is currently insufficient to determine the role of this variant in disease. Therefore, it has been classified as a Variant of Uncertain Significance.

Illumina Laboratory Services, Illumina
Classification: Uncertain significance for Mitochondrial complex V (ATP synthase) deficiency, nuclear type 1. Last evaluated: 2018-01-12. Review status: criteria provided, single submitter. Criteria: ICSL Variant Classification Criteria 13 December 2019. Collection method: clinical testing. Allele origin: germline.

GeneDx
Classification: Uncertain significance. Last evaluated: 2014-09-29. Review status: criteria provided, single submitter. Criteria: GeneDx Variant Classification (06012015). Collection method: clinical testing. Allele origin: germline. Affected: yes.
Comment: p.Ala130Glu (GCA>GAA): c.389 C>A in exon 4 of the ATPAF2 gene (NM_145691.3). The A130E variant has not been published as a mutation, nor has it been reported as a benign polymorphism to our knowledge. The A130E variant is a non-conservative amino acid substitution, which is likely to impact secondary protein structure as these residues differ in polarity, charge, size and/or other properties. This substitution occurs at a position that is conserved across species. However, in silico analysis is inconsistent in its predictions as to whether or not the variant is damaging to the protein structure/function Therefore, based on the currently available information, it is unclear whether this variant is a pathogenic mutation or a rare benign variant. The variant is found in MITONUC-MITOP panel(s).

NM_145691.4(ATPAF2):c.389C>A (p.Ala130Glu)

Gene: ATPAF2 (ATP synthase mitochondrial F1 complex assembly factor 2; minus strand). Cytogenetic location: 17p11.2.
Variant type: single nucleotide variant.
Coding change: c.389C>A on transcript NM_145691.4 (MANE Select); coding-DNA position 389, C replaced by A.
Protein change: p.Ala130Glu; replaces alanine 130 with glutamic acid.
Molecular consequence: missense variant.
Genome position (GRCh38, 1-based): chr17:18,026,352, G>T on the plus strand (C>A on the coding strand, the complement: ATPAF2 is on the minus strand). VCF-style: chr17-18026352-G-T. GRCh37 (hg19) VCF-style: chr17-17929666-G-T.
Other names: p.A130E:GCA>GAA; short protein forms A130E.
Identifiers: ClinVar variation 214139 (VCV000214139.8), dbSNP rs759676953, ClinGen allele CA323544.